The following is an entry in ClinVar:

ClinVar aggregate classification (germline): Uncertain significance (1 of 4 stars; one submission).

Conditions:
Hereditary cancer-predisposing syndrome. Also called: Tumor predisposition; Neoplastic Syndromes, Hereditary; Hereditary Cancer Syndrome; Hereditary neoplastic syndrome. Identifiers: Orphanet 140162, MedGen C0027672, MeSH D009386, MONDO:0015356.

gnomAD v4.1: 1 of 1,613,948 alleles (0.000062%); no homozygotes.

Submission:

Ambry Genetics
Classification: Uncertain significance for Hereditary cancer-predisposing syndrome. Last evaluated: 2025-01-02. Review status: criteria provided, single submitter. Criteria: Ambry Variant Classification Scheme 2023. Collection method: clinical testing. Allele origin: germline.
Comment: The p.L589F variant (also known as c.1767G>C), located in coding exon 14 of the APC gene, results from a G to C substitution at nucleotide position 1767. The leucine at codon 589 is replaced by phenylalanine, an amino acid with highly similar properties. This amino acid position is highly conserved in available vertebrate species. In addition, in silico predictors for this gene do not accurately predict pathogenicity. Missense alterations in APC are not a common cause of disease (Spier I et al. Genet Med. 2024 Feb;26(2):100992). Based on the available evidence, the clinical significance of this variant remains unclear.

NM_000038.6(APC):c.1767G>C (p.Leu589Phe)

Gene: APC (APC regulator of Wnt signaling pathway; plus strand). Cytogenetic location: 5q22.2.
Variant type: single nucleotide variant.
Coding change: c.1767G>C on transcript NM_000038.6 (MANE Select); coding-DNA position 1767, G replaced by C.
Protein change: p.Leu589Phe; replaces leucine 589 with phenylalanine.
Molecular consequence: missense variant. On other transcripts: non-coding transcript variant (2).
Genome position (GRCh38, 1-based): chr5:112,834,974, G>C. VCF-style: chr5-112834974-G-C. GRCh37 (hg19) VCF-style: chr5-112170671-G-C.
Other names: c.1767G>C, p.Leu589Phe (NM_001127510.3, NM_001354895.2, NM_001407450.1); c.1713G>C, p.Leu571Phe (NM_001127511.3); c.1821G>C, p.Leu607Phe (NM_001354896.2, NM_001407447.1, NM_001407448.1 and 1 more transcripts); c.1797G>C, p.Leu599Phe (NM_001354897.2); c.1692G>C, p.Leu564Phe (NM_001354898.2); c.1683G>C, p.Leu561Phe (NM_001354899.2); c.1644G>C, p.Leu548Phe (NM_001354900.2); c.1590G>C, p.Leu530Phe (NM_001354901.2, NM_001407453.1); and 11 more; short protein forms L306F, L429F, L506F, L571F, L460F, L463F, L530F, L548F.
Identifiers: ClinVar variation 3881341 (VCV003881341.1).